The following is an entry in ClinVar:

NM_001042646.3(TRAK1):c.2056G>T (p.Val686Phe)

Gene: TRAK1 (trafficking kinesin protein 1; plus strand). Cytogenetic location: 3p22.1.
Variant type: single nucleotide variant.
Coding change: c.2056G>T on transcript NM_001042646.3 (MANE Select); coding-DNA position 2056, G replaced by T.
Protein change: p.Val686Phe; replaces valine 686 with phenylalanine.
Molecular consequence: missense variant. On other transcripts: non-coding transcript variant (1).
Genome position (GRCh38, 1-based): chr3:42,219,586, G>T. VCF-style: chr3-42219586-G-T. GRCh37 (hg19) VCF-style: chr3-42261078-G-T.
Other names: c.1681G>T, p.Val561Phe (NM_001349245.1); c.1993G>T, p.Val665Phe (NM_001349246.2); c.2056G>T, p.Val686Phe (NM_001349247.2); c.1771G>T, p.Val591Phe (NM_001349248.1); c.1834G>T, p.Val612Phe (NM_001349249.1); c.2056G>T (NM_001042646.2); short protein forms V561F, V591F, V612F, V665F, V686F.
Identifiers: ClinVar variation 1594964 (VCV001594964.10), dbSNP rs200620651, ClinGen allele CA2333756.

ClinVar aggregate classification (germline): Likely benign. Review status: criteria provided, single submitter (1 of 4 stars). 2 submissions from 2 submitters: Likely benign (1). 1 of the submissions does not count toward it. Last evaluated 2025-11-19.

Conditions:
TRAK1-related disorder. Also called: TRAK1-related condition.

Allele frequency attached by ClinVar (database versions not stated): 1000 Genomes Project 30x 0.00016; 1000 Genomes Project 0.00020; ExAC 0.00031; gnomAD exomes 0.00038.
gnomAD v4.1: 104 of 1,585,782 alleles (0.0066%); highest among the groups gnomAD compares: Admixed American, 0.17%; no homozygotes.

Submissions (2):

Labcorp Genetics (formerly Invitae), Labcorp
Classification: Likely benign. Last evaluated: 2025-11-19. Review status: criteria provided, single submitter. Criteria: Invitae Variant Classification Sherloc (09022015). Collection method: clinical testing. Allele origin: germline.

PreventionGenetics, part of Exact Sciences
Classification: Likely benign for TRAK1-related condition. Last evaluated: 2022-02-23. Review status: no assertion criteria provided. Collection method: clinical testing. Allele origin: germline. Not counted in ClinVar's aggregate classification.
Comment: This variant is classified as likely benign based on ACMG/AMP sequence variant interpretation guidelines (Richards et al. 2015 PMID: 25741868, with internal and published modifications).